The following is an entry in ClinVar:

NM_003628.6(PKP4):c.1925T>C (p.Leu642Ser)

Gene: PKP4 (plakophilin 4; plus strand). Cytogenetic location: 2q24.1.
Variant type: single nucleotide variant.
Coding change: c.1925T>C on transcript NM_003628.6 (MANE Select); coding-DNA position 1925, T replaced by C.
Protein change: p.Leu642Ser; replaces leucine 642 with serine.
Molecular consequence: missense variant.
Genome position (GRCh38, 1-based): chr2:158,658,146, T>C. VCF-style: chr2-158658146-T-C. GRCh37 (hg19) VCF-style: chr2-159514658-T-C.
Other names: c.1925T>C, p.Leu642Ser (NM_001005476.4, NM_001304971.2, NM_001377218.1 and 1 more transcripts); c.1922T>C, p.Leu641Ser (NM_001304969.3, NM_001377219.1, NM_001377220.1 and 2 more transcripts); c.896T>C, p.Leu299Ser (NM_001304970.3); c.1919T>C, p.Leu640Ser (NM_001377222.1, NM_001377223.1); c.1916T>C, p.Leu639Ser (NM_001377224.1); short protein forms L641S, L299S, L642S, L639S, L640S.
Identifiers: ClinVar variation 1782760 (VCV001782760.2), dbSNP rs138783960, ClinGen allele CA1920837.

ClinVar aggregate classification (germline): Uncertain significance (1 of 4 stars; one submission).

Allele frequency attached by ClinVar (database versions not stated): gnomAD exomes below 0.00001; ExAC 0.00002; gnomAD 0.00002; TOPMed 0.00002; ESP Exome Variant Server 0.00008.
gnomAD v4.1: 6 of 1,594,586 alleles (0.00038%); highest among the groups gnomAD compares: African/African-American, 0.0081%; no homozygotes.

Submission:

Ambry Genetics
Classification: Uncertain significance. Last evaluated: 2021-08-14. Review status: criteria provided, single submitter. Criteria: Ambry Variant Classification Scheme 2023. Collection method: clinical testing. Allele origin: germline.
Comment: The p.L642S variant (also known as c.1925T>C), located in coding exon 11 of the PKP4 gene, results from a T to C substitution at nucleotide position 1925. The leucine at codon 642 is replaced by serine, an amino acid with dissimilar properties. This amino acid position is conserved. In addition, this alteration is predicted to be deleterious by in silico analysis. Since supporting evidence is limited at this time, the clinical significance of this alteration remains unclear.